The following is an entry in ClinVar:

NM_003227.4(TFR2):c.1538-2A>G

Gene: TFR2 (transferrin receptor 2; minus strand). Cytogenetic location: 7q22.1.
Variant type: single nucleotide variant.
Coding change: c.1538-2A>G on transcript NM_003227.4 (MANE Select); the canonical splice acceptor site of the intron before coding-DNA position 1538, A replaced by G.
Molecular consequence: splice acceptor variant.
Genome position (GRCh38, 1-based): chr7:100,627,976, T>C on the plus strand (A>G on the coding strand, the complement: TFR2 is on the minus strand). VCF-style: chr7-100627976-T-C. GRCh37 (hg19) VCF-style: chr7-100225599-T-C.
Other names: c.1025-2A>G (NM_001206855.3).
Identifiers: ClinVar variation 4062174 (VCV004062174.2).

ClinVar aggregate classification (germline): Pathogenic (1 of 4 stars; one submission).

Conditions:
Hemochromatosis type 3 (HFE3). Also called: HEMOCHROMATOSIS DUE TO DEFECT IN TRANSFERRIN RECEPTOR 2; Hereditary hemochromatosis type 3; TFR2-Related Hemochromatosis. Identifiers: Orphanet 225123, MedGen C1858664, MONDO:0011417, OMIM 604250.

gnomAD v4.1: 1 of 1,613,840 alleles (0.000062%); highest among the groups gnomAD compares: Non-Finnish European, 0.000085%; no homozygotes.

Submission:

Natera, Inc.
Classification: Pathogenic for Hereditary hemochromatosis type 3. Last evaluated: 2025-05-02. Review status: criteria provided, single submitter. Criteria: Natera Variant Classification Schema (03/2026). Collection method: clinical testing. Allele origin: germline.
Comment: The c.1538-2A>G variant in TFR2 is a canonical splice acceptor site variant predicted to affect pre-mRNA splicing, which may result in an abnormal transcript and altered protein product. This variant is expected to result in nonsense mediated decay, truncation, or a dysfunctional protein product. This variant is rare in the general population with a frequency below the threshold expected for the associated phenotype(s). This variant has been observed in one or more individuals affected with the associated recessive disease, as either homozygous or compound heterozygous with a second variant (PMID: 18450729). Given the available evidence, this variant is classified as Pathogenic.

Literature cited by the submitters: PubMed 18450729.